The following is an entry in ClinVar:

ClinVar aggregate classification (germline): Uncertain significance. Review status: criteria provided, multiple submitters, no conflicts (2 of 4 stars). 2 submissions from 2 submitters: Uncertain significance (2). Last evaluated 2023-10-10.

Conditions:
Hereditary cancer-predisposing syndrome. Also called: Tumor predisposition; Hereditary Cancer Syndrome; Neoplastic Syndromes, Hereditary; Hereditary neoplastic syndrome. Identifiers: Orphanet 140162, MedGen C0027672, MeSH D009386, MONDO:0015356.

Submissions (2):

GeneDx
Classification: Uncertain significance. Last evaluated: 2023-10-10. Review status: criteria provided, single submitter. Criteria: GeneDx Variant Classification Process June 2021. Collection method: clinical testing. Allele origin: germline. Affected: yes.
Comment: Not observed at significant frequency in large population cohorts (gnomAD); In silico analysis supports that this missense variant does not alter protein structure/function; Has not been previously published as pathogenic or benign to our knowledge

Ambry Genetics
Classification: Uncertain significance for Hereditary cancer-predisposing syndrome. Last evaluated: 2022-02-22. Review status: criteria provided, single submitter. Criteria: Ambry Variant Classification Scheme 2023. Collection method: clinical testing. Allele origin: germline.
Comment: The p.P919S variant (also known as c.2755C>T), located in coding exon 16 of the DICER1 gene, results from a C to T substitution at nucleotide position 2755. The proline at codon 919 is replaced by serine, an amino acid with similar properties. This amino acid position is conserved. In addition, the in silico prediction for this alteration is inconclusive. Since supporting evidence is limited at this time, the clinical significance of this alteration remains unclear.

NM_177438.3(DICER1):c.2755C>T (p.Pro919Ser)

Gene: DICER1 (dicer 1, ribonuclease III; minus strand). Cytogenetic location: 14q32.13.
Variant type: single nucleotide variant.
Coding change: c.2755C>T on transcript NM_177438.3 (MANE Select); coding-DNA position 2755, C replaced by T.
Protein change: p.Pro919Ser; replaces proline 919 with serine.
Molecular consequence: missense variant. On other transcripts: non-coding transcript variant (6).
Genome position (GRCh38, 1-based): chr14:95,107,657, G>A on the plus strand (C>T on the coding strand, the complement: DICER1 is on the minus strand). VCF-style: chr14-95107657-G-A. GRCh37 (hg19) VCF-style: chr14-95573994-G-A.
Other names: c.2755C>T, p.Pro919Ser (NM_001195573.1, NM_001271282.3, NM_001291628.2 and 13 more transcripts); c.2473C>T, p.Pro825Ser (NM_001395686.1); c.2350C>T, p.Pro784Ser (NM_001395687.1, NM_001395688.1, NM_001395689.1 and 2 more transcripts); c.2188C>T, p.Pro730Ser (NM_001395691.1); c.1072C>T, p.Pro358Ser (NM_001395697.1); short protein forms P358S, P784S, P825S, P919S, P730S.
Identifiers: ClinVar variation 1795605 (VCV001795605.4), dbSNP rs2542829300, ClinGen allele CA390879511.